The following is an entry in ClinVar:

NM_017739.4(POMGNT1):c.942C>G (p.Tyr314Ter)

Genes: POMGNT1 (protein O-linked mannose N-acetylglucosaminyltransferase 1 (beta 1,2-); minus strand), TSPAN1 (tetraspanin 1; plus strand). Cytogenetic location: 1p34.1.
Variant type: single nucleotide variant.
Coding change: c.942C>G on transcript NM_017739.4 (MANE Select); coding-DNA position 942, C replaced by G.
Protein change: p.Tyr314Ter; replaces tyrosine 314 with a stop codon.
Molecular consequence: nonsense.
Genome position (GRCh38, 1-based): chr1:46,193,863, G>C on the plus strand (C>G on the coding strand, the complement: POMGNT1 is on the minus strand). VCF-style: chr1-46193863-G-C. GRCh37 (hg19) VCF-style: chr1-46659535-G-C.
Other names: c.942C>G, p.Tyr314Ter (NM_001243766.2, NM_001410783.1, NM_001437653.1 and 3 more transcripts); c.876C>G, p.Tyr292Ter (NM_001290129.3, NM_001438691.1, NM_001438692.1); c.513C>G, p.Tyr171Ter (NM_001290130.2); short protein forms Y171*, Y292*, Y314*.
Identifiers: ClinVar variation 5014365 (VCV005014365.1).
Genomic context (GRCh38, chr1:46,193,863, plus strand): 5'-GACCTAAGCACCCTCCTGTTCAGTGCTGGGTATAGCCCATTCCCAGGCTTACCTGTACAG[G>C]TAATTGGGTCGGTTCCCTGCAATGACAGCCACAGGCACATTGAGGACCTTGTTGTCTGGG-3'

ClinVar aggregate classification (germline): Pathogenic (1 of 4 stars; one submission).

Conditions:
Myopathy caused by variation in POMGNT1. Identifiers: MedGen CN305639, MONDO:0700068.

Submission:

Myriad Genetics, Inc.
Classification: Pathogenic for Myopathy caused by variation in POMGNT1. Last evaluated: 2025-04-30. Review status: criteria provided, single submitter. Criteria: Myriad Autosomal Dominant, Autosomal Recessive and X-Linked Classification Criteria (2023). Collection method: clinical testing. Allele origin: unknown.
Comment: NM_017739.3(POMGNT1):c.942C>G(Y314*) is expected to be pathogenic in the context of POMGNT1-related disorders. This variant is predicted to lead to an abnormal or absent protein product due to the creation of a premature termination codon in POMGNT1, a gene where loss-of-function variants are known to be pathogenic. Please note: this variant was assessed in the context of healthy population screening.